The following is an entry in ClinVar:

NM_001271.4(CHD2):c.819G>T (p.Lys273Asn)

Gene: CHD2 (chromodomain helicase DNA binding protein 2; plus strand). Cytogenetic location: 15q26.1.
Variant type: single nucleotide variant.
Coding change: c.819G>T on transcript NM_001271.4 (MANE Select); coding-DNA position 819, G replaced by T.
Protein change: p.Lys273Asn; replaces lysine 273 with asparagine.
Molecular consequence: missense variant.
Genome position (GRCh38, 1-based): chr15:92,941,948, G>T. VCF-style: chr15-92941948-G-T. GRCh37 (hg19) VCF-style: chr15-93485178-G-T.
Other names: c.819G>T, p.Lys273Asn (NM_001042572.3); short protein forms K273N.
Identifiers: ClinVar variation 3368930 (VCV003368930.1).

ClinVar aggregate classification (germline): Uncertain significance (1 of 4 stars; one submission).

Submission:

GeneDx
Classification: Uncertain significance. Last evaluated: 2024-02-08. Review status: criteria provided, single submitter. Criteria: GeneDx Variant Classification Process June 2021. Collection method: clinical testing. Allele origin: germline. Affected: yes.
Comment: Not observed at significant frequency in large population cohorts (gnomAD); In silico analysis supports that this missense variant has a deleterious effect on protein structure/function; Has not been previously published as pathogenic or benign to our knowledge